The following is an entry in ClinVar:

NM_018662.3(DISC1):c.988C>T (p.Leu330Phe)

Genes: DISC1 (DISC1 scaffold protein; plus strand), TSNAX-DISC1 (TSNAX-DISC1 readthrough (NMD candidate); plus strand). Cytogenetic location: 1q42.2.
Variant type: single nucleotide variant.
Coding change: c.988C>T on transcript NM_018662.3 (MANE Select); coding-DNA position 988, C replaced by T.
Protein change: p.Leu330Phe; replaces leucine 330 with phenylalanine.
Molecular consequence: missense variant. On other transcripts: non-coding transcript variant (8), intron variant (1).
Genome position (GRCh38, 1-based): chr1:231,694,746, C>T. VCF-style: chr1-231694746-C-T. GRCh37 (hg19) VCF-style: chr1-231830492-C-T.
Other names: c.988C>T, p.Leu330Phe (NM_001012957.2, NM_001012958.2, NM_001012959.2 and 18 more transcripts); c.68-55180C>T (NM_001164556.2); short protein forms L330F.
Identifiers: ClinVar variation 712258 (VCV000712258.7), dbSNP rs34622148, ClinGen allele CA1453716.

ClinVar aggregate classification (germline): Benign. Review status: criteria provided, multiple submitters, no conflicts (2 of 4 stars). 3 submissions from 3 submitters: Benign (2). 1 of the submissions does not count toward it. Last evaluated 2019-12-31.

Conditions:
DISC1-related disorder. Also called: DISC1-related condition.

Allele frequency attached by ClinVar (database versions not stated): gnomAD exomes 0.00077 and 0.00200; ExAC 0.00251; gnomAD 0.00836 and 0.00891; TOPMed 0.00937; ESP Exome Variant Server 0.00938; 1000 Genomes Project 0.00998; 1000 Genomes Project 30x 0.01077.
gnomAD v4.1: 2,429 of 1,614,096 alleles (0.15%); highest among the groups gnomAD compares: African/African-American, 2.9%; 47 homozygotes.

Submissions (3):

Labcorp Genetics (formerly Invitae), Labcorp
Classification: Benign. Last evaluated: 2019-12-31. Review status: criteria provided, single submitter. Criteria: Invitae Variant Classification Sherloc (09022015). Collection method: clinical testing. Allele origin: germline.

Breakthrough Genomics
Classification: Benign. Review status: criteria provided, single submitter. Criteria: ACMG Guidelines, 2015. Collection method: not provided. Allele origin: germline. Inheritance: Unknown mechanism. Affected: yes.

PreventionGenetics, part of Exact Sciences
Classification: Benign for DISC1-related condition. Last evaluated: 2020-10-10. Review status: no assertion criteria provided. Collection method: clinical testing. Allele origin: germline. Not counted in ClinVar's aggregate classification.
Comment: This variant is classified as benign based on ACMG/AMP sequence variant interpretation guidelines (Richards et al. 2015 PMID: 25741868, with internal and published modifications).